The following is an entry in ClinVar:

NM_000059.4(BRCA2):c.7439T>A (p.Leu2480Ter)

Gene: BRCA2 (BRCA2 DNA repair associated; plus strand). Cytogenetic location: 13q13.1.
Variant type: single nucleotide variant.
Coding change: c.7439T>A on transcript NM_000059.4 (MANE Select); coding-DNA position 7439, T replaced by A.
Protein change: p.Leu2480Ter; replaces leucine 2480 with a stop codon.
Molecular consequence: nonsense. On other transcripts: non-coding transcript variant (1).
Genome position (GRCh38, 1-based): chr13:32,356,431, T>A. VCF-style: chr13-32356431-T-A. GRCh37 (hg19) VCF-style: chr13-32930568-T-A.
Other names: c.7343T>A, p.Leu2448Ter (NM_001406719.1); c.7439T>A, p.Leu2480Ter (NM_001406720.1); c.2507T>A, p.Leu836Ter (NM_001406721.1); c.1022T>A, p.Leu341Ter (NM_001406722.1); short protein forms L2448*, L2480*, L341*, L836*.
Identifiers: ClinVar variation 2680300 (VCV002680300.2), dbSNP rs2137561690, ClinGen allele CA387742964.
Genomic context (GRCh38, chr13:32,356,431, plus strand): 5'-GGGGTTGTGCTTTTTAAATTTCAATTTTATTTTTGCTAAGTATTTATTCTTTGATAGATT[T>A]AATTACAAGTCTTCAGAATGCCAGAGATATACAGGATATGCGAATTAAGAAGAAACAAAG-3'

ClinVar aggregate classification (germline): Pathogenic/Likely pathogenic. Review status: criteria provided, multiple submitters, no conflicts (2 of 4 stars). 2 submissions from 2 submitters: Pathogenic (1); Likely pathogenic (1). Last evaluated 2025-03-05.

Conditions:
Hereditary cancer-predisposing syndrome. Also called: Neoplastic Syndromes, Hereditary; Hereditary neoplastic syndrome; Tumor predisposition; Hereditary Cancer Syndrome. Identifiers: Orphanet 140162, MedGen C0027672, MeSH D009386, MONDO:0015356.
Familial cancer of breast. Also called: hereditary breast carcinoma; BREAST CANCER, FAMILIAL; Hereditary breast cancer. Identifiers: Orphanet 227535, MedGen C0346153, MONDO:0016419, OMIM 114480. Disease mechanism: loss of function.

Submissions (2):

Ambry Genetics
Classification: Pathogenic for Hereditary cancer-predisposing syndrome. Last evaluated: 2025-03-05. Review status: criteria provided, single submitter. Criteria: Ambry Variant Classification Scheme 2023. Collection method: clinical testing. Allele origin: germline.
Comment: The p.L2480* pathogenic mutation (also known as c.7439T>A), located in coding exon 14 of the BRCA2 gene, results from a T to A substitution at nucleotide position 7439. This changes the amino acid from a leucine to a stop codon within coding exon 14. This variant is considered to be rare based on population cohorts in the Genome Aggregation Database (gnomAD). This alteration is expected to result in loss of function by premature protein truncation or nonsense-mediated mRNA decay. As such, this alteration is interpreted as a disease-causing mutation.

Baylor Genetics
Classification: Likely pathogenic for Familial cancer of breast. Last evaluated: 2021-09-10. Review status: criteria provided, single submitter. Criteria: ACMG Guidelines, 2015. Collection method: clinical testing. Allele origin: unknown.